The following is an entry in ClinVar:

ClinVar aggregate classification (germline): Uncertain significance (1 of 4 stars; one submission).

Conditions:
Hereditary cancer-predisposing syndrome. Also called: Neoplastic Syndromes, Hereditary; Tumor predisposition; Hereditary Cancer Syndrome; Hereditary neoplastic syndrome. Identifiers: Orphanet 140162, MedGen C0027672, MeSH D009386, MONDO:0015356.

Allele frequency attached by ClinVar (database versions not stated): gnomAD exomes below 0.00001; gnomAD 0.00001; TOPMed 0.00002.

Submission:

Ambry Genetics
Classification: Uncertain significance for Hereditary cancer-predisposing syndrome. Last evaluated: 2022-05-01. Review status: criteria provided, single submitter. Criteria: Ambry Variant Classification Scheme 2023. Collection method: clinical testing. Allele origin: germline.
Comment: The p.A266D variant (also known as c.797C>A), located in coding exon 7 of the EPCAM gene, results from a C to A substitution at nucleotide position 797. The alanine at codon 266 is replaced by aspartic acid, an amino acid with dissimilar properties. This amino acid position is conserved. In addition, the in silico prediction for this alteration is inconclusive. Since supporting evidence is limited at this time, the clinical significance of this alteration remains unclear.

NM_002354.3(EPCAM):c.797C>A (p.Ala266Asp)

Gene: EPCAM (epithelial cell adhesion molecule; plus strand). Cytogenetic location: 2p21.
Variant type: single nucleotide variant.
Coding change: c.797C>A on transcript NM_002354.3 (MANE Select); coding-DNA position 797, C replaced by A.
Protein change: p.Ala266Asp; replaces alanine 266 with aspartic acid.
Molecular consequence: missense variant.
Genome position (GRCh38, 1-based): chr2:47,379,908, C>A. VCF-style: chr2-47379908-C-A. GRCh37 (hg19) VCF-style: chr2-47607047-C-A.
Other names: short protein forms A266D.
Identifiers: ClinVar variation 1761451 (VCV001761451.2), dbSNP rs1304092295, ClinGen allele CA346724831.
Genomic context (GRCh38, chr2:47,379,908, plus strand): 5'-AAACTTTAATTTATTATGTTGATGAAAAAGCACCTGAATTCTCAATGCAGGGTCTAAAAG[C>A]TGGTGTTATTGCTGTTATTGTGGTTGTGGTGATAGCAGTTGTTGCTGGAATTGTTGTGCT-3'
Protein context (NP_002345.2, residues 256-276): APEFSMQGLK[Ala266Asp]GVIAVIVVVV